The following is an entry in ClinVar:

NM_006231.4(POLE):c.1795-752_1864del

Gene: POLE (DNA polymerase epsilon, catalytic subunit; minus strand). Cytogenetic location: 12q24.33.
Variant type: Deletion.
Coding change: c.1795-752_1864del on transcript NM_006231.4 (MANE Select); 752 bases into the intron before coding-DNA position 1795 through coding-DNA position 1864, 822 bases deleted.
Molecular consequence: splice acceptor variant.
Genome position (GRCh38, 1-based): chr12:132,668,870-132,669,691, 822 bases deleted. GRCh37 (hg19): chr12:133,245,459-133,246,280.
Identifiers: ClinVar variation 841888 (VCV000841888.7), dbSNP rs2042860243, ClinGen allele CA916082370.

ClinVar aggregate classification (germline): Likely pathogenic (1 of 4 stars; one submission).

Submission:

Labcorp Genetics (formerly Invitae), Labcorp
Classification: Likely pathogenic. Last evaluated: 2024-06-03. Review status: criteria provided, single submitter. Criteria: Invitae Variant Classification Sherloc (09022015). Collection method: clinical testing. Allele origin: germline.
Comment: This variant results in the deletion of part of exon 17 (c.1795-752_1864del) of the POLE gene. It is expected to disrupt RNA splicing. Variants that disrupt the donor or acceptor splice site typically lead to a loss of protein function (PMID: 16199547), and loss-of-function variants in POLE are known to be pathogenic (PMID: 23230001, 25948378, 30503519). This variant is not present in population databases (gnomAD no frequency). This variant has not been reported in the literature in individuals affected with POLE-related conditions. ClinVar contains an entry for this variant (Variation ID: 841888). In summary, the currently available evidence indicates that the variant is pathogenic, but additional data are needed to prove that conclusively. Therefore, this variant has been classified as Likely Pathogenic.

Literature cited by the submitters: PubMed 16199547; PubMed 23230001; PubMed 25948378; PubMed 30503519.